The following is an entry in ClinVar:

NM_001923.5(DDB1):c.1297A>G (p.Thr433Ala)

Gene: DDB1 (damage specific DNA binding protein 1; minus strand). Cytogenetic location: 11q12.2.
Variant type: single nucleotide variant.
Coding change: c.1297A>G on transcript NM_001923.5 (MANE Select); coding-DNA position 1297, A replaced by G.
Protein change: p.Thr433Ala; replaces threonine 433 with alanine.
Molecular consequence: missense variant.
Genome position (GRCh38, 1-based): chr11:61,316,496, T>C on the plus strand (A>G on the coding strand, the complement: DDB1 is on the minus strand). VCF-style: chr11-61316496-T-C. GRCh37 (hg19) VCF-style: chr11-61083968-T-C.
Other names: short protein forms T433A.
Identifiers: ClinVar variation 3766018 (VCV003766018.1).
Genomic context (GRCh38, chr11:61,316,496, plus strand): 5'-CCCCACCTCACAACCTTCTCACCAGCACCTACAGCTGGCACTAGACCCATCCTTACCTTG[T>C]CTGGCCCACAAAAGAGAGCACCAAAGTGTCATCAGTCTCACGATTAGGGTCAGACCGCAG-3'
Protein context (NP_001914.3, residues 423-443): DTLVLSFVGQ[Thr433Ala]RVLMLNGEEV

ClinVar aggregate classification (germline): Uncertain significance (1 of 4 stars; one submission).

Submission:

GeneDx
Classification: Uncertain significance. Last evaluated: 2024-09-03. Review status: criteria provided, single submitter. Criteria: GeneDx Variant Classification Process June 2021. Collection method: clinical testing. Allele origin: germline. Affected: yes.
Comment: Not observed at significant frequency in large population cohorts (gnomAD); In silico analysis supports that this missense variant has a deleterious effect on protein structure/function; Has not been previously published as pathogenic or benign to our knowledge